The following is an entry in ClinVar:

NM_002585.4(PBX1):c.891A>C (p.Lys297Asn)

Gene: PBX1 (PBX homeobox 1; plus strand). Cytogenetic location: 1q23.3.
Variant type: single nucleotide variant.
Coding change: c.891A>C on transcript NM_002585.4 (MANE Select); coding-DNA position 891, A replaced by C.
Protein change: p.Lys297Asn; replaces lysine 297 with asparagine.
Molecular consequence: missense variant.
Genome position (GRCh38, 1-based): chr1:164,812,043, A>C. VCF-style: chr1-164812043-A-C. GRCh37 (hg19) VCF-style: chr1-164781280-A-C.
Other names: c.891A>C, p.Lys297Asn (NM_001204961.2, NM_001204963.2, NM_001353131.2); c.642A>C, p.Lys214Asn (NM_001353130.1); short protein forms K214N, K297N.
Identifiers: ClinVar variation 1315177 (VCV001315177.3), dbSNP rs2102345726, ClinGen allele CA343471596.

ClinVar aggregate classification (germline): Uncertain significance (1 of 4 stars; one submission).

Submission:

GeneDx
Classification: Uncertain significance. Last evaluated: 2024-01-25. Review status: criteria provided, single submitter. Criteria: GeneDx Variant Classification Process June 2021. Collection method: clinical testing. Allele origin: germline. Affected: yes.
Comment: Not observed at significant frequency in large population cohorts (gnomAD); In silico analysis supports that this missense variant has a deleterious effect on protein structure/function; Has not been previously published as pathogenic or benign to our knowledge